The following is an entry in ClinVar:

ClinVar aggregate classification (germline): Uncertain significance (1 of 4 stars; one submission).

Submission:

GeneDx
Classification: Uncertain significance. Last evaluated: 2022-11-30. Review status: criteria provided, single submitter. Criteria: GeneDx Variant Classification Process June 2021. Collection method: clinical testing. Allele origin: germline. Affected: yes.
Comment: Not observed at significant frequency in large population cohorts (gnomAD); In silico analysis supports that this missense variant does not alter protein structure/function; Has not been previously published as pathogenic or benign to our knowledge

NM_212482.4(FN1):c.2059T>C (p.Tyr687His)

Gene: FN1 (fibronectin 1; minus strand). Cytogenetic location: 2q35.
Variant type: single nucleotide variant.
Coding change: c.2059T>C on transcript NM_212482.4 (MANE Select); coding-DNA position 2059, T replaced by C.
Protein change: p.Tyr687His; replaces tyrosine 687 with histidine.
Molecular consequence: missense variant.
Genome position (GRCh38, 1-based): chr2:215,409,997, A>G on the plus strand (T>C on the coding strand, the complement: FN1 is on the minus strand). VCF-style: chr2-215409997-A-G. GRCh37 (hg19) VCF-style: chr2-216274720-A-G.
Other names: c.2059T>C, p.Tyr687His (NM_001306129.2, NM_001306130.2, NM_001306131.2 and 13 more transcripts); short protein forms Y687H.
Identifiers: ClinVar variation 2504528 (VCV002504528.1), dbSNP rs2470114163, ClinGen allele CA350491962.